The following is an entry in ClinVar:

ClinVar aggregate classification (germline): Benign (1 of 4 stars; one submission).

gnomAD v4.1: 1,160 of 1,614,158 alleles (0.072%); highest among the groups gnomAD compares: East Asian, 1.2%; 20 homozygotes.

Submission:

CeGaT Center for Human Genetics Tuebingen
Classification: Benign. Last evaluated: 2026-07-01. Review status: criteria provided, single submitter. Criteria: CeGaT Center For Human Genetics Tuebingen Variant Classification Criteria Version 2. Collection method: clinical testing. Allele origin: germline. Affected: yes. Observed: 3 variant alleles.
Comment: MCM10: BP4, BS1, BS2

NM_018518.5(MCM10):c.643C>G (p.Gln215Glu)

Gene: MCM10 (minichromosome maintenance 10 replication initiation factor; plus strand). Cytogenetic location: 10p13.
Variant type: single nucleotide variant.
Coding change: c.643C>G on transcript NM_018518.5 (MANE Select); coding-DNA position 643, C replaced by G.
Protein change: p.Gln215Glu; replaces glutamine 215 with glutamic acid.
Molecular consequence: missense variant.
Genome position (GRCh38, 1-based): chr10:13,175,560, C>G. VCF-style: chr10-13175560-C-G. GRCh37 (hg19) VCF-style: chr10-13217560-C-G.
Other names: c.646C>G, p.Gln216Glu (NM_182751.3); short protein forms Q215E, Q216E.
Identifiers: ClinVar variation 4820729 (VCV004820729.4).